The following is an entry in ClinVar:

ClinVar aggregate classification (germline): Likely benign (0 of 4 stars; one submission).

Conditions:
SEMA3F-related disorder. Also called: SEMA3F-related condition.

gnomAD v4.1: 29 of 1,614,004 alleles (0.0018%); highest among the groups gnomAD compares: Non-Finnish European, 0.0024%; no homozygotes.

Submission:

PreventionGenetics, part of Exact Sciences
Classification: Likely benign for SEMA3F-related condition. Last evaluated: 2022-02-10. Review status: no assertion criteria provided. Collection method: clinical testing. Allele origin: germline.
Comment: This variant is classified as likely benign based on ACMG/AMP sequence variant interpretation guidelines (Richards et al. 2015 PMID: 25741868, with internal and published modifications).

NM_004186.5(SEMA3F):c.1365C>T (p.Val455=)

Gene: SEMA3F (semaphorin 3F; plus strand). Cytogenetic location: 3p21.31.
Variant type: single nucleotide variant.
Coding change: c.1365C>T on transcript NM_004186.5 (MANE Select); coding-DNA position 1365, C replaced by T.
Protein change: p.Val455=; no amino-acid change (valine 455 retained).
Molecular consequence: synonymous variant.
Genome position (GRCh38, 1-based): chr3:50,184,723, C>T. VCF-style: chr3-50184723-C-T. GRCh37 (hg19) VCF-style: chr3-50222156-C-T.
Other names: c.1068C>T, p.Val356= (NM_001318798.2); c.1272C>T, p.Val424= (NM_001318800.2).
Identifiers: ClinVar variation 3351072 (VCV003351072.1).